The following is an entry in ClinVar:

ClinVar aggregate classification (germline): Uncertain significance. Review status: criteria provided, multiple submitters, no conflicts (2 of 4 stars). 2 submissions from 2 submitters: Uncertain significance (2). Last evaluated 2026-04-01.

Conditions:
Lethal multiple pterygium syndrome (LMPS). Identifiers: Orphanet 33108, MedGen C1854678, MONDO:0009668, OMIM 253290.

Submissions (2):

CeGaT Center for Human Genetics Tuebingen
Classification: Uncertain significance. Last evaluated: 2026-04-01. Review status: criteria provided, single submitter. Criteria: CeGaT Center For Human Genetics Tuebingen Variant Classification Criteria Version 2. Collection method: clinical testing. Allele origin: germline. Affected: yes. Observed: 2 variant alleles.
Comment: CHRNA1: PM2, PP3

Labcorp Genetics (formerly Invitae), Labcorp
Classification: Uncertain significance for Lethal multiple pterygium syndrome. Last evaluated: 2021-09-04. Review status: criteria provided, single submitter. Criteria: Invitae Variant Classification Sherloc (09022015). Collection method: clinical testing. Allele origin: germline.
Comment: In summary, the available evidence is currently insufficient to determine the role of this variant in disease. Therefore, it has been classified as a Variant of Uncertain Significance. Algorithms developed to predict the effect of missense changes on protein structure and function are either unavailable or do not agree on the potential impact of this missense change (SIFT: "Deleterious"; PolyPhen-2: "Probably Damaging"; Align-GVGD: "Class C0"). This variant has not been reported in the literature in individuals affected with CHRNA1-related conditions. This variant is not present in population databases (ExAC no frequency). This sequence change replaces threonine with asparagine at codon 301 of the CHRNA1 protein (p.Thr301Asn). The threonine residue is highly conserved and there is a small physicochemical difference between threonine and asparagine.

NM_000079.4(CHRNA1):c.902C>A (p.Thr301Asn)

Gene: CHRNA1 (cholinergic receptor nicotinic alpha 1 subunit; minus strand). Cytogenetic location: 2q31.1.
Variant type: single nucleotide variant.
Coding change: c.902C>A on transcript NM_000079.4 (MANE Select); coding-DNA position 902, C replaced by A.
Protein change: p.Thr301Asn; replaces threonine 301 with asparagine.
Molecular consequence: missense variant.
Genome position (GRCh38, 1-based): chr2:174,750,046, G>T on the plus strand (C>A on the coding strand, the complement: CHRNA1 is on the minus strand). VCF-style: chr2-174750046-G-T. GRCh37 (hg19) VCF-style: chr2-175614774-G-T.
Other names: c.977C>A, p.Thr326Asn (NM_001039523.3); short protein forms T326N, T301N.
Identifiers: ClinVar variation 1403874 (VCV001403874.12), dbSNP rs2105345315, ClinGen allele CA349336421.